The following is an entry in ClinVar:

ClinVar aggregate classification (germline): Benign (1 of 4 stars; one submission).

Submission:

Unidad de Genómica Garrahan, Hospital de Pediatría Garrahan
Classification: Benign. Last evaluated: 2024-01-24. Review status: criteria provided, single submitter. Criteria: ACMG Guidelines, 2015. Collection method: clinical testing. Allele origin: germline. Affected: no. Observed: 53 variant alleles.
Comment: This variant is classified as Benign based on local population frequency. This variant was detected in 60% of patients studied by a panel of primary immunodeficiencies. Number of patients: 53. Only high quality variants are reported.

NM_006949.4(STXBP2):c.247-316TG[4]

Gene: STXBP2 (syntaxin binding protein 2; plus strand). Cytogenetic location: 19p13.2.
Variant type: Microsatellite.
Coding change: c.247-316TG[4] on transcript NM_006949.4 (MANE Select); four copies in a row of the 2-base unit TG starting at c.247-316; the reference has three copies in a row; one copy, 2 bases duplicated.
Molecular consequence: intron variant.
Genome position (GRCh38, 1-based): chr19:7,640,419-7,640,420, TG duplicated; duplicating any 2 consecutive bases within chr19:7,640,415-7,640,420 gives the same sequence; the position shown is the placement nearest the transcript's 3' end. VCF-style (leftmost placement, unchanged base first): chr19-7640414-A-ATG. GRCh37 (hg19) VCF-style: chr19-7705300-A-ATG.
Other names: c.151-316TG[4] (NM_001414484.1); c.247-283TG[4] (NM_001272034.2); c.247-325TG[4] (NM_001127396.3).
Identifiers: ClinVar variation 2688392 (VCV002688392.2), dbSNP rs35685478, ClinGen allele CA9143419.